The following is an entry in ClinVar:

ClinVar aggregate classification (germline): Uncertain significance. Review status: criteria provided, multiple submitters, no conflicts (2 of 4 stars). 2 submissions from 2 submitters: Uncertain significance (2). Last evaluated 2025-05-06.

Conditions:
Muscular dystrophy-dystroglycanopathy type B6 (MDDGB6). Also called: MUSCULAR DYSTROPHY, CONGENITAL, LARGE-RELATED; MUSCULAR DYSTROPHY, CONGENITAL, TYPE 1D; MUSCULAR DYSTROPHY-DYSTROGLYCANOPATHY (CONGENITAL WITH IMPAIRED INTELLECTUAL DEVELOPMENT), TYPE B, 6. Identifiers: MedGen C1837229, MONDO:0012138, OMIM 608840.

Allele frequency attached by ClinVar (database versions not stated): ExAC 0.00001; gnomAD exomes 0.00002; TOPMed 0.00005; gnomAD 0.00006; ESP Exome Variant Server 0.00015.
gnomAD v4.1: 64 of 1,601,884 alleles (0.004%); highest among the groups gnomAD compares: African/African-American, 0.011%; no homozygotes.

Submissions (2):

GeneDx
Classification: Uncertain significance. Last evaluated: 2025-05-06. Review status: criteria provided, single submitter. Criteria: GeneDx Variant Classification Process June 2021. Collection method: clinical testing. Allele origin: germline. Affected: yes.
Comment: Not observed at significant frequency in large population cohorts (gnomAD); In silico analysis supports that this missense variant has a deleterious effect on protein structure/function; Has not been previously published as pathogenic or benign to our knowledge

Labcorp Genetics (formerly Invitae), Labcorp
Classification: Uncertain significance for Muscular dystrophy-dystroglycanopathy type B6. Last evaluated: 2022-07-12. Review status: criteria provided, single submitter. Criteria: Invitae Variant Classification Sherloc (09022015). Collection method: clinical testing. Allele origin: germline.
Comment: This sequence change replaces proline, which is neutral and non-polar, with leucine, which is neutral and non-polar, at codon 44 of the LARGE1 protein (p.Pro44Leu). This variant is present in population databases (rs143437080, gnomAD 0.007%). This variant has not been reported in the literature in individuals affected with LARGE1-related conditions. ClinVar contains an entry for this variant (Variation ID: 953485). Algorithms developed to predict the effect of missense changes on protein structure and function are either unavailable or do not agree on the potential impact of this missense change (SIFT: "Deleterious"; PolyPhen-2: "Possibly Damaging"; Align-GVGD: "Class C0"). In summary, the available evidence is currently insufficient to determine the role of this variant in disease. Therefore, it has been classified as a Variant of Uncertain Significance.

NM_133642.5(LARGE1):c.131C>T (p.Pro44Leu)

Gene: LARGE1 (LARGE xylosyl- and glucuronyltransferase 1; minus strand). Cytogenetic location: 22q12.3.
Variant type: single nucleotide variant.
Coding change: c.131C>T on transcript NM_133642.5 (MANE Select); coding-DNA position 131, C replaced by T.
Protein change: p.Pro44Leu; replaces proline 44 with leucine.
Molecular consequence: missense variant.
Genome position (GRCh38, 1-based): chr22:33,650,644, G>A on the plus strand (C>T on the coding strand, the complement: LARGE1 is on the minus strand). VCF-style: chr22-33650644-G-A. GRCh37 (hg19) VCF-style: chr22-34046630-G-A.
Other names: c.131C>T, p.Pro44Leu (NM_001362949.2, NM_001362951.2, NM_001362953.2 and 7 more transcripts); short protein forms P44L.
Identifiers: ClinVar variation 953485 (VCV000953485.9), dbSNP rs143437080, ClinGen allele CA10203149.